The following is an entry in ClinVar:

NM_198529.4(EFCAB5):c.1441C>G (p.Gln481Glu)

Gene: EFCAB5 (EF-hand calcium binding domain 5; plus strand). Cytogenetic location: 17q11.2.
Variant type: single nucleotide variant.
Coding change: c.1441C>G on transcript NM_198529.4 (MANE Select); coding-DNA position 1441, C replaced by G.
Protein change: p.Gln481Glu; replaces glutamine 481 with glutamic acid.
Molecular consequence: missense variant. On other transcripts: non-coding transcript variant (1).
Genome position (GRCh38, 1-based): chr17:30,053,395, C>G. VCF-style: chr17-30053395-C-G. GRCh37 (hg19) VCF-style: chr17-28380413-C-G.
Other names: c.1273C>G, p.Gln425Glu (NM_001145053.2); short protein forms Q425E, Q481E.
Identifiers: ClinVar variation 3033726 (VCV003033726.2), dbSNP rs116666354, ClinGen allele CA8478796.

ClinVar aggregate classification (germline): Benign (0 of 4 stars; one submission).

Conditions:
EFCAB5-related disorder. Also called: EFCAB5-related condition.

Allele frequency attached by ClinVar (database versions not stated): gnomAD exomes 0.00117; ExAC 0.00250; ESP Exome Variant Server 0.00675; gnomAD 0.00718; TOPMed 0.00824; 1000 Genomes Project 0.00839; 1000 Genomes Project 30x 0.00953.
gnomAD v4.1: 2,903 of 1,613,780 alleles (0.18%); highest among the groups gnomAD compares: African/African-American, 2.2%; 29 homozygotes.

Submission:

PreventionGenetics, part of Exact Sciences
Classification: Benign for EFCAB5-related condition. Last evaluated: 2019-06-11. Review status: no assertion criteria provided. Collection method: clinical testing. Allele origin: germline.
Comment: This variant is classified as benign based on ACMG/AMP sequence variant interpretation guidelines (Richards et al. 2015 PMID: 25741868, with internal and published modifications).